The following is an entry in ClinVar:

NM_000443.4(ABCB4):c.2325G>C (p.Thr775=)

Gene: ABCB4 (ATP binding cassette subfamily B member 4; minus strand). Cytogenetic location: 7q21.12.
Variant type: single nucleotide variant.
Coding change: c.2325G>C on transcript NM_000443.4 (MANE Select); coding-DNA position 2325, G replaced by C.
Protein change: p.Thr775=; no amino-acid change (threonine 775 retained).
Molecular consequence: synonymous variant.
Genome position (GRCh38, 1-based): chr7:87,420,067, C>G on the plus strand (G>C on the coding strand, the complement: ABCB4 is on the minus strand). VCF-style: chr7-87420067-C-G. GRCh37 (hg19) VCF-style: chr7-87049383-C-G.
Other names: p.Thr775=; c.2325G>C, p.Thr775= (NM_018849.3, NM_018850.3).
Identifiers: ClinVar variation 382988 (VCV000382988.16), dbSNP rs8187802, ClinGen allele CA4327046.

ClinVar aggregate classification (germline): Benign/Likely benign. Review status: criteria provided, multiple submitters, no conflicts (2 of 4 stars). 7 submissions from 6 submitters: Benign (6); Likely benign (1). Last evaluated 2026-04-14.

Conditions:
Progressive familial intrahepatic cholestasis type 3. Also called: MDR3 DEFICIENCY; Low Gamma-GT Familial Intrahepatic Cholestasis. Identifiers: Orphanet 79305, MedGen C1865643, MONDO:0011214, OMIM 602347.
Low phospholipid associated cholelithiasis (GBD1). Also called: Gallbladder disease 1; Gallstone cholecystitis. Identifiers: Orphanet 69663, MedGen C2609268, MONDO:0010939, OMIM 600803.
Familial intrahepatic cholestasis. Identifiers: Orphanet 284385, MedGen CN296401, MONDO:0017290.
Cholestasis, intrahepatic, of pregnancy, 3. Identifiers: Orphanet 69665, MedGen C3554241, MONDO:0013995, OMIM 614972.

Allele frequency attached by ClinVar (database versions not stated): gnomAD 0.01001; 1000 Genomes Project 0.01038; 1000 Genomes Project 30x 0.01109; TOPMed 0.01160; ESP Exome Variant Server 0.01169.
gnomAD v4.1: 3,270 of 1,613,956 alleles (0.2%); highest among the groups gnomAD compares: African/African-American, 3.6%; 53 homozygotes.

Submissions (7):

Genomenon, Inc
Classification: Likely benign for Familial intrahepatic cholestasis; Low phospholipid associated cholelithiasis. Last evaluated: 2026-04-14. Review status: criteria provided, single submitter. Criteria: Genomenon Sequence Variant Interpretation Standards - Updated. Collection method: curation. Allele origin: germline. Affected: no.
Comment: ABCB4 c.2325G>C is a synonymous variant that retains Threonine at residue 775. This variant has been reported in the published literature (PMID:30079523). This synonymous variant is not predicted to impact splicing. This variant’s allele frequency in gnomAD is greater than expected for this disorder. In conclusion, we classify ABCB4 p.Thr775= (c.2325G>C) as a likely benign variant.

Labcorp Genetics (formerly Invitae), Labcorp
Classification: Benign. Last evaluated: 2026-01-28. Review status: criteria provided, single submitter. Criteria: Invitae Variant Classification Sherloc (09022015). Collection method: clinical testing. Allele origin: germline.

Mayo Clinic Laboratories, Mayo Clinic
Classification: Benign. Last evaluated: 2021-09-15. Review status: criteria provided, single submitter. Criteria: ACMG Guidelines, 2015. Collection method: clinical testing. Allele origin: germline. Observed: 13 variant alleles.
Comment: BA1, BP4, BP7

Illumina Laboratory Services, Illumina
Classification: Benign for Cholestasis, intrahepatic, of pregnancy, 3. Last evaluated: 2017-04-28. Review status: criteria provided, single submitter. Criteria: ICSL Variant Classification Criteria 13 December 2019. Collection method: clinical testing. Allele origin: germline.
Comment: This variant was observed as part of a predisposition screen in an ostensibly healthy population. A literature search was performed for the gene, cDNA change, and amino acid change (where applicable). No publications were found based on this search. Allele frequency data from public databases was too high to be consistent with this variant causing disease. Therefore, this variant is classified as benign.

Illumina Laboratory Services, Illumina
Classification: Benign for Progressive familial intrahepatic cholestasis type 3. Last evaluated: 2017-04-28. Review status: criteria provided, single submitter. Criteria: ICSL Variant Classification Criteria 13 December 2019. Collection method: clinical testing. Allele origin: germline.
Comment: the same text as in the submission from Illumina Laboratory Services, Illumina above.

GeneDx
Classification: Benign. Last evaluated: 2016-04-25. Review status: criteria provided, single submitter. Criteria: GeneDx Variant Classification (06012015). Collection method: clinical testing. Allele origin: germline. Affected: yes.
Comment: This variant is considered likely benign or benign based on one or more of the following criteria: it is a conservative change, it occurs at a poorly conserved position in the protein, it is predicted to be benign by multiple in silico algorithms, and/or has population frequency not consistent with disease.

Breakthrough Genomics
Classification: Benign. Review status: criteria provided, single submitter. Criteria: ACMG Guidelines, 2015. Collection method: not provided. Allele origin: germline. Inheritance: Autosomal recessive inheritance. Affected: yes.

Literature cited by the submitters: PubMed 30079523 (cited by Genomenon, Inc).